The following is an entry in ClinVar:

ClinVar aggregate classification (germline): Uncertain significance (1 of 4 stars; one submission).

Conditions:
Pityriasis rubra pilaris (PRP). Also called: Pityriasis rubra pilaris--familial type. Identifiers: Orphanet 2897, MedGen C0032027, MONDO:0100017, OMIM 173200, MONDO:0008251.
Psoriasis 2. Identifiers: MedGen C1864497, MONDO:0011269, OMIM 602723.

Allele frequency attached by ClinVar (database versions not stated): gnomAD 0.00001.
gnomAD v4.1: 1 of 1,564,988 alleles (0.000064%); highest among the groups gnomAD compares: African/African-American, 0.0013%; no homozygotes.

Submission:

Labcorp Genetics (formerly Invitae), Labcorp
Classification: Uncertain significance for Pityriasis rubra pilaris; Psoriasis 2. Last evaluated: 2023-10-04. Review status: criteria provided, single submitter. Criteria: Invitae Variant Classification Sherloc (09022015). Collection method: clinical testing. Allele origin: germline.
Comment: This sequence change replaces proline, which is neutral and non-polar, with leucine, which is neutral and non-polar, at codon 964 of the CARD14 protein (p.Pro964Leu). The frequency data for this variant in the population databases is considered unreliable, as metrics indicate poor data quality at this position in the gnomAD database. This variant has not been reported in the literature in individuals affected with CARD14-related conditions. Advanced modeling of protein sequence and biophysical properties (such as structural, functional, and spatial information, amino acid conservation, physicochemical variation, residue mobility, and thermodynamic stability) performed at Invitae indicates that this missense variant is expected to disrupt CARD14 protein function. Algorithms developed to predict the effect of sequence changes on RNA splicing suggest that this variant may create or strengthen a splice site. In summary, the available evidence is currently insufficient to determine the role of this variant in disease. Therefore, it has been classified as a Variant of Uncertain Significance.

NM_001366385.1(CARD14):c.2891C>T (p.Pro964Leu)

Genes: CARD14 (caspase recruitment domain family member 14; plus strand), SGSH (N-sulfoglucosamine sulfohydrolase; minus strand). Cytogenetic location: 17q25.3.
Variant type: single nucleotide variant.
Coding change: c.2891C>T on transcript NM_001366385.1 (MANE Select); coding-DNA position 2891, C replaced by T.
Protein change: p.Pro964Leu; replaces proline 964 with leucine.
Molecular consequence: missense variant. On other transcripts: non-coding transcript variant (1).
Genome position (GRCh38, 1-based): chr17:80,208,221, C>T. VCF-style: chr17-80208221-C-T. GRCh37 (hg19) VCF-style: chr17-78182020-C-T.
Other names: c.2891C>T, p.Pro964Leu (NM_024110.4); short protein forms P964L.
Identifiers: ClinVar variation 2952468 (VCV002952468.3), dbSNP rs1420646646, ClinGen allele CA401357521.